The following is an entry in ClinVar:

NM_001039111.3(TRIM71):c.2565C>T (p.Ile855=)

Gene: TRIM71 (tripartite motif containing 71; plus strand). Cytogenetic location: 3p22.3.
Variant type: single nucleotide variant.
Coding change: c.2565C>T on transcript NM_001039111.3 (MANE Select); coding-DNA position 2565, C replaced by T.
Protein change: p.Ile855=; no amino-acid change (isoleucine 855 retained).
Molecular consequence: synonymous variant.
Genome position (GRCh38, 1-based): chr3:32,891,769, C>T. VCF-style: chr3-32891769-C-T. GRCh37 (hg19) VCF-style: chr3-32933261-C-T.
Identifiers: ClinVar variation 4874256 (VCV004874256.2).

ClinVar aggregate classification (germline): Likely benign (1 of 4 stars; one submission).

gnomAD v4.1: 148 of 1,613,990 alleles (0.0092%); highest among the groups gnomAD compares: Admixed American, 0.23%; 1 homozygote.

Submission:

CeGaT Center for Human Genetics Tuebingen
Classification: Likely benign. Last evaluated: 2026-04-01. Review status: criteria provided, single submitter. Criteria: CeGaT Center For Human Genetics Tuebingen Variant Classification Criteria Version 2. Collection method: clinical testing. Allele origin: germline. Affected: yes. Observed: 1 variant allele.
Comment: TRIM71: BP4, BS1